The following is an entry in ClinVar:

NM_001830.4(CLCN4):c.2038C>A (p.Pro680Thr)

Gene: CLCN4 (Cl-/H+ antiporter 4; plus strand). Cytogenetic location: Xp22.2.
Variant type: single nucleotide variant.
Coding change: c.2038C>A on transcript NM_001830.4 (MANE Select); coding-DNA position 2038, C replaced by A.
Protein change: p.Pro680Thr; replaces proline 680 with threonine.
Molecular consequence: missense variant.
Genome position (GRCh38, 1-based): chrX:10,220,723, C>A. VCF-style: chrX-10220723-C-A. GRCh37 (hg19) VCF-style: chrX-10188763-C-A.
Other names: c.1756C>A, p.Pro586Thr (NM_001256944.2); short protein forms P586T, P680T.
Identifiers: ClinVar variation 992811 (VCV000992811.8), dbSNP rs142375213, ClinGen allele CA412044365.

ClinVar aggregate classification (germline): Uncertain significance. Review status: criteria provided, multiple submitters, no conflicts (2 of 4 stars). 4 submissions from 4 submitters: Uncertain significance (4). Last evaluated 2024-04-15.

Conditions:
Intellectual disability, X-linked 49 (MRXSRC). Also called: MRX49; CLCN4-related X-linked intellectual disability syndrome; RAYNAUD-CLAES SYNDROME; CLCN4-Related Neurodevelopmental Disorder; MENTAL RETARDATION, X-LINKED 15. Identifiers: Orphanet 485350, Orphanet 777, MedGen C0796221, MONDO:0010250, OMIM 300114.

Allele frequency attached by ClinVar (database versions not stated): TOPMed 0.00001.
gnomAD v4.1: 6 of 1,210,772 alleles (0.0005%); highest among the groups gnomAD compares: Non-Finnish European, 0.00067%; no homozygotes.

Submissions (4):

Labcorp Genetics (formerly Invitae), Labcorp
Classification: Uncertain significance. Last evaluated: 2024-04-15. Review status: criteria provided, single submitter. Criteria: Invitae Variant Classification Sherloc (09022015). Collection method: clinical testing. Allele origin: germline.
Comment: This sequence change replaces proline, which is neutral and non-polar, with threonine, which is neutral and polar, at codon 680 of the CLCN4 protein (p.Pro680Thr). This variant is not present in population databases (gnomAD no frequency). This missense change has been observed in individual(s) with clinical features of CLCN4-related conditions (Invitae). ClinVar contains an entry for this variant (Variation ID: 992811). Advanced modeling of protein sequence and biophysical properties (such as structural, functional, and spatial information, amino acid conservation, physicochemical variation, residue mobility, and thermodynamic stability) performed at Invitae indicates that this missense variant is not expected to disrupt CLCN4 protein function with a negative predictive value of 95%. In summary, the available evidence is currently insufficient to determine the role of this variant in disease. Therefore, it has been classified as a Variant of Uncertain Significance.

Pittsburgh Clinical Genomics Laboratory, University of Pittsburgh Medical Center
Classification: Uncertain significance for Intellectual disability, X-linked 49. Last evaluated: 2023-11-24. Review status: criteria provided, single submitter. Criteria: ACMG Guidelines, 2015. Collection method: clinical testing. Allele origin: germline. Inheritance: X-linked dominant inheritance. Affected: yes.
Comment: This sequence variant is a single nucleotide substitution (C>A) at position 2038 of the coding sequence of the CLCN4 gene that results in a proline to threonine amino acid change at residue 680 of the chloride voltage-gated channel 4 protein. The 680 residue falls in the domain important for proper localization to the endoplasmic reticulum (UniProt, PMID: 28972156). This is a previously reported variant (ClinVar 992811) that has not been observed in individuals affected by CLCN4-related disease in the published literature, to our knowledge. This variant is present in 6 of 1097359 alleles (0.00055%) in the gnomAD population dataset. Bioinformatic tools are inconclusive if this amino acid change will be damaging or tolerated, and the Pro680 residue at this position is highly conserved across the vertebrate species examined. Studies examining the functional consequence of this variant have not been published, to our knowledge. At this time, there is insufficient evidence to determine if this variant is pathogenic or benign. Therefore, we consider this a variant of uncertain significance. ACMG Criteria: PM2

New York Genome Center
Classification: Uncertain significance for Intellectual disability, X-linked 49. Last evaluated: 2021-12-01. Review status: criteria provided, single submitter. Criteria: NYGC Assertion Criteria 2020. Collection method: clinical testing. Allele origin: inherited. Observed: 1 heterozygote. Study: CSER-NYCKidSeq.
Comment: The inherited, heterozygous c.2038C>A (p.Pro680Thr) variant in the CLCN4 gene substitutes a highly conserved Proline for Threonine at amino acid 680/761 (coding exon 12/13). This variant is absent from gnomAD and ExAC, suggesting it is not a common benign variant in the populations represented in those databases. In silico algorithms predict this variant to be Neutral (Provean; score: 1.40) and Tolerated (SIFT; score 1.000) to the function of the canonical transcript. This variant has not been previously reported in ClinVar, and to our current knowledge has not been reported in any affected individuals in the literature. The Pro680residue is in the C-terminal cytoplasmic portion of the protein between the CBS1 and CBS2 domains, and while variants in the Pro680 residue have not been reported in affected individuals, other de novo and inherited missense variants have been reported in this region [PMID: 27550844]. Given the lack of compelling evidence for the pathogenicity of the c.2038C>A (p.Pro680Thr) variant in the CLCN4 gene, it is reported here as a Variant of Uncertain Significance.

Baylor Genetics
Classification: Uncertain significance for Intellectual disability, X-linked 49. Last evaluated: 2020-05-05. Review status: criteria provided, single submitter. Criteria: ACMG Guidelines, 2015. Collection method: clinical testing. Allele origin: unknown. Affected: yes.
Comment: This variant was determined to be of uncertain significance according to ACMG Guidelines, 2015 [PMID:25741868].

Literature cited by the submitters: PubMed 28972156 (cited by Pittsburgh Clinical Genomics Laboratory, University of Pittsburgh Medical Center).